The following continues an entry in ClinVar:

NM_000051.4(ATM):c.4362A>C (p.Lys1454Asn)

Gene: ATM. ClinVar aggregate classification (germline): Conflicting classifications of pathogenicity. Uncertain significance (8); Benign (2); Likely benign (8).

Submissions 18 to 20 of 20:

Neuberg Centre For Genomic Medicine, NCGM
Classification: Uncertain significance for Ataxia-telangiectasia syndrome. Review status: criteria provided, single submitter. Criteria: ACMG Guidelines, 2015. Collection method: clinical testing. Allele origin: germline. Inheritance: Autosomal recessive inheritance. Affected: yes.
Comment: The amino acid Lys at position 1454 is changed to a Asn changing protein sequence and it might alter its composition and physico-chemical properties. The missense variant c.4362A>C (p.Lys1454Asn) in ATM gene has been submitted to ClinVar as a Variant of Uncertain Significance, but no details are available for independent assessment. It has not been reported in affected individuals. The p.Lys1454Asn variant is reported with the allele frequency of 0.02937% in gnomAD Exomes and is novel (not in any individuals) in 1000 Genomes. In silico tools predict the variant to be tolerated. The residue is conserved across species. The amino acid change p.Lys1454Asn in ATM is predicted as conserved by GERP++ and PhyloP across 100 vertebrates. For these reasons, this variant has been classified as Uncertain Significance.

Clinical Genetics DNA and cytogenetics Diagnostics Lab, Erasmus MC, Erasmus Medical Center
Classification: Likely benign. Review status: no assertion criteria provided. Collection method: clinical testing. Allele origin: germline. Affected: yes. Study: VKGL Data-share Consensus. Not counted in ClinVar's aggregate classification.

Department of Pathology and Laboratory Medicine, Sinai Health System
Classification: Uncertain significance. Review status: no assertion criteria provided. Collection method: clinical testing. Allele origin: unknown. Affected: yes. Study: The Canadian Open Genetics Repository (COGR). Not counted in ClinVar's aggregate classification.
Comment: The ATM p.Lys1454Asn variant was identified in 6 of 10774 proband chromosomes (frequency: 0.00056) from individuals or families with breast and colon cancer (Barbazetto_2008, Broeks_2008, Maillet_2002, Pearlman_2016, Tavtigian_2009, Teraoka_2001). The variant was also identified in dbSNP (ID: rs148993589) as â€šÃ„ÃºWith Uncertain significance alleleâ€šÃ„Ã¹, ClinVar (as benign by Ambry Genetics and as uncertain significance by GeneDx, Invitae, and Color Genomics), Clinvitae (as in ClinVar), and in Cosmic. The variant was not identified in the COGR, MutDB, or LOVD 3.0 databases. The variant was identified in control databases in 84 of 276958 chromosomes at a frequency of 0.000303 increasing the likelihood this could be a low frequency benign variant (Genome Aggregation Database Feb 27, 2017). It was observed in the following populations: African in 1 of 24022 chromosomes (freq: 0.000042), Other in 1 of 6452 chromosomes (freq: 0.000155), European (Non-Finnish) in 76 of 126554 chromosomes (freq: 0.000601), Ashkenazi Jewish in 3 of 10138 chromosomes (freq: 0.000296), and European (Finnish) in 3 of 25770 chromosomes (freq: 0.000116); it was not observed in the Latino, East Asian, and South Asian populations. The p.Lys1454Asn residue is not conserved in mammals and four out of five computational analyses (PolyPhen-2, SIFT, AlignGVGD, BLOSUM, MutationTaster) do not suggest a high likelihood of impact to the protein; however, this information is not predictive enough to rule out pathogenicity. The variant was identified in a laboratory in one individual with a co-occurring pathogenic BRCA2 variant p.Gln2943ArgfsX33 in a family with HBOC, increasing the likelihood that the p.Lys1454Asn variant does not have clinical significance. In summary, based on the above information the clinical significance of this variant cannot be determined with certainty at this time. This variant is classified as a variant of uncertain significance.

Literature cited by the submitters: PubMed 17393301 (cited by Women's Health and Genetics/Laboratory Corporation of America, LabCorp and Athena Diagnostics); PubMed 18502988 (cited by 3 submitters); PubMed 19781682 (cited by Women's Health and Genetics/Laboratory Corporation of America, LabCorp and Athena Diagnostics); PubMed 22529920 (cited by Women's Health and Genetics/Laboratory Corporation of America, LabCorp and Athena Diagnostics); PubMed 20305132 (cited by Women's Health and Genetics/Laboratory Corporation of America, LabCorp); PubMed 17623063 (cited by Women's Health and Genetics/Laboratory Corporation of America, LabCorp); PubMed 25186627 (cited by Women's Health and Genetics/Laboratory Corporation of America, LabCorp); PubMed 10425038 (cited by Women's Health and Genetics/Laboratory Corporation of America, LabCorp and Athena Diagnostics); PubMed 28652578 (cited by Women's Health and Genetics/Laboratory Corporation of America, LabCorp and Athena Diagnostics); PubMed 30447919 (cited by Women's Health and Genetics/Laboratory Corporation of America, LabCorp); PubMed 30584090 (cited by Women's Health and Genetics/Laboratory Corporation of America, LabCorp and Athena Diagnostics); PubMed 31173964 (cited by Women's Health and Genetics/Laboratory Corporation of America, LabCorp); PubMed 33436325 (cited by Women's Health and Genetics/Laboratory Corporation of America, LabCorp and Athena Diagnostics); PubMed 34262154 (cited by Women's Health and Genetics/Laboratory Corporation of America, LabCorp and Athena Diagnostics); PubMed 25085752 (cited by Myriad Genetics, Inc.); PubMed 27443514 (cited by Athena Diagnostics); PubMed 27978560 (cited by Athena Diagnostics); PubMed 28779002 (cited by Athena Diagnostics); PubMed 12362033 (cited by Athena Diagnostics); PubMed 11505391 (cited by Athena Diagnostics); PubMed 12697903 (cited by Athena Diagnostics).